The following is an entry in ClinVar:

ClinVar aggregate classification (germline): Uncertain significance (1 of 4 stars; one submission).

gnomAD v4.1: 5 of 1,607,784 alleles (0.00031%); highest among the groups gnomAD compares: South Asian, 0.0056%; no homozygotes.

Submission:

GeneDx
Classification: Uncertain significance. Last evaluated: 2024-05-03. Review status: criteria provided, single submitter. Criteria: GeneDx Variant Classification Process June 2021. Collection method: clinical testing. Allele origin: germline. Affected: yes.
Comment: Not observed at significant frequency in large population cohorts (gnomAD); In silico analysis supports that this missense variant has a deleterious effect on protein structure/function; Missense variant in a gene in which most reported pathogenic variants are truncating/loss of function; Has not been previously published as pathogenic or benign to our knowledge

NM_001267550.2(TTN):c.26852G>A (p.Gly8951Glu)

Gene: TTN (titin; minus strand). Cytogenetic location: 2q31.2.
Variant type: single nucleotide variant.
Coding change: c.26852G>A on transcript NM_001267550.2 (MANE Select); coding-DNA position 26852, G replaced by A.
Protein change: p.Gly8951Glu; replaces glycine 8951 with glutamic acid.
Molecular consequence: missense variant. On other transcripts: intron variant (3).
Genome position (GRCh38, 1-based): chr2:178,713,282, C>T on the plus strand (G>A on the coding strand, the complement: TTN is on the minus strand). VCF-style: chr2-178713282-C-T. GRCh37 (hg19) VCF-style: chr2-179578009-C-T.
Other names: c.25901G>A, p.Gly8634Glu (NM_001256850.1); c.23120G>A, p.Gly7707Glu (NM_133378.4); c.13282+24800G>A (NM_003319.4); c.13858+24800G>A (NM_133437.4); c.13657+24800G>A (NM_133432.3); short protein forms G7707E, G8634E, G8951E.
Identifiers: ClinVar variation 3373396 (VCV003373396.1).
Genomic context (GRCh38, chr2:178,713,282, plus strand): 5'-TTCCTTCCACTACTGATCTCATTTCCTTCATGGAACCAGGAGACAGAGATTGGAGGTGAC[C>T]CATAGACTTTACACTCCATTACAACTGAGGAGCCGGATAGACCATTTGTCTCTTTCAATT-3'
Protein context (NP_001254479.2, residues 8941-8961): SSVVMECKVY[Gly8951Glu]SPPISVSWFH